The following is an entry in ClinVar:

ClinVar aggregate classification (germline): Conflicting classifications of pathogenicity. Review status: criteria provided, conflicting classifications (1 of 4 stars). 4 submissions from 4 submitters: Uncertain significance (3); Likely benign (1). Last evaluated 2025-10-07.

Conditions:
Hereditary cancer. Identifiers: MedGen C1333600.
Hereditary cancer-predisposing syndrome. Also called: Hereditary Cancer Syndrome; Hereditary neoplastic syndrome; Neoplastic Syndromes, Hereditary; Tumor predisposition. Identifiers: Orphanet 140162, MedGen C0027672, MeSH D009386, MONDO:0015356.
Ataxia-telangiectasia syndrome (AT). Also called: Ataxia-telangiectasia, complementation group E; LOUIS-BAR SYNDROME; Cerebello-oculocutaneous telangiectasia; Immunodeficiency with ataxia telangiectasia; Ataxia-telangiectasia, complementation group D; AT, COMPLEMENTATION GROUP C. Identifiers: Orphanet 100, MedGen C0004135, MONDO:0008840, OMIM 208900.

Allele frequency attached by ClinVar (database versions not stated): gnomAD exomes below 0.00001; TOPMed 0.00001.

Submissions (4):

Ambry Genetics
Classification: Uncertain significance for Hereditary cancer-predisposing syndrome. Last evaluated: 2025-10-07. Review status: criteria provided, single submitter. Criteria: Ambry Variant Classification Scheme 2023. Collection method: clinical testing. Allele origin: germline.
Comment: The p.M1064I variant (also known as c.3192G>A), located in coding exon 21 of the ATM gene, results from a G to A substitution at nucleotide position 3192. The methionine at codon 1064 is replaced by isoleucine, an amino acid with highly similar properties. This amino acid position is not well conserved in available vertebrate species. In addition, this alteration is predicted to be tolerated by in silico analysis. Based on the available evidence, the clinical significance of this variant remains unclear.

Mendelics
Classification: Likely benign for Hereditary cancer. Last evaluated: 2024-09-11. Review status: criteria provided, single submitter. Criteria: ACMG Guidelines, 2015. Collection method: clinical testing. Allele origin: unknown.
Comment: This variant is considered likely benign or benign based on one or more of the following: it is predicted to be benign by multiple in silico algorithms, and/or has population frequency not consistent with disease, and/or has normal protein function, and/or has lack of segregation with disease, and/or has been detected in co-occurrence with known pathogenic variant, and/or has lack of disease association in case-control studies, and/or is located in a region inconsistent with a known cause of pathogenicity.

Labcorp Genetics (formerly Invitae), Labcorp
Classification: Uncertain significance for Ataxia-telangiectasia syndrome. Last evaluated: 2024-08-12. Review status: criteria provided, single submitter. Criteria: Invitae Variant Classification Sherloc (09022015). Collection method: clinical testing. Allele origin: germline.
Comment: This sequence change replaces methionine, which is neutral and non-polar, with isoleucine, which is neutral and non-polar, at codon 1064 of the ATM protein (p.Met1064Ile). This variant is not present in population databases (gnomAD no frequency). This variant has not been reported in the literature in individuals affected with ATM-related conditions. ClinVar contains an entry for this variant (Variation ID: 923021). An algorithm developed to predict the effect of missense changes on protein structure and function (PolyPhen-2) suggests that this variant is likely to be tolerated. In summary, the available evidence is currently insufficient to determine the role of this variant in disease. Therefore, it has been classified as a Variant of Uncertain Significance.

Color Diagnostics, LLC DBA Color Health
Classification: Uncertain significance for Hereditary cancer-predisposing syndrome. Last evaluated: 2024-03-06. Review status: criteria provided, single submitter. Criteria: ACMG Guidelines, 2015. Collection method: clinical testing. Allele origin: germline.
Comment: This missense variant replaces methionine with isoleucine at codon 1064 of the ATM protein. Computational prediction suggests that this variant may not impact protein structure and function (internally defined REVEL score threshold <= 0.5, PMID: 27666373). Splice site prediction tools suggest that this variant may not impact RNA splicing. To our knowledge, functional studies have not been performed for this variant. This variant has not been reported in individuals affected with hereditary cancer in the literature. This variant has not been identified in the general population by the Genome Aggregation Database (gnomAD). The available evidence is insufficient to determine the role of this variant in disease conclusively. Therefore, this variant is classified as a Variant of Uncertain Significance.

NM_000051.4(ATM):c.3192G>A (p.Met1064Ile)

Gene: ATM (ATM serine/threonine kinase; plus strand). Cytogenetic location: 11q22.3.
Variant type: single nucleotide variant.
Coding change: c.3192G>A on transcript NM_000051.4 (MANE Select); coding-DNA position 3192, G replaced by A.
Protein change: p.Met1064Ile; replaces methionine 1064 with isoleucine.
Molecular consequence: missense variant.
Genome position (GRCh38, 1-based): chr11:108,272,760, G>A. VCF-style: chr11-108272760-G-A. GRCh37 (hg19) VCF-style: chr11-108143487-G-A.
Other names: c.3192G>A, p.Met1064Ile (NM_001351834.2); short protein forms M1064I.
Identifiers: ClinVar variation 923021 (VCV000923021.12), dbSNP rs1480804197, ClinGen allele CA382515694.